The following is an entry in ClinVar:

ClinVar aggregate classification (germline): Uncertain significance. Review status: criteria provided, single submitter (1 of 4 stars). 2 submissions from 2 submitters: Uncertain significance (1). 1 of the submissions does not count toward it. Last evaluated 2022-08-22.

Conditions:
Nemaline myopathy 2 (NEM2). Also called: Nemaline myopathy 2, autosomal recessive. Identifiers: MedGen C1850569, MONDO:0009725, OMIM 256030.

Allele frequency attached by ClinVar (database versions not stated): TOPMed below 0.00001; gnomAD 0.00001.
gnomAD v4.1: 5 of 1,594,708 alleles (0.00031%); highest among the groups gnomAD compares: Admixed American, 0.0067%; no homozygotes.

Submissions (2):

Labcorp Genetics (formerly Invitae), Labcorp
Classification: Uncertain significance for Nemaline myopathy 2. Last evaluated: 2022-08-22. Review status: criteria provided, single submitter. Criteria: Invitae Variant Classification Sherloc (09022015). Collection method: clinical testing. Allele origin: germline.
Comment: This sequence change replaces histidine, which is basic and polar, with tyrosine, which is neutral and polar, at codon 6147 of the NEB protein (p.His6147Tyr). This variant is not present in population databases (gnomAD no frequency). This variant has not been reported in the literature in individuals affected with NEB-related conditions. ClinVar contains an entry for this variant (Variation ID: 643135). Algorithms developed to predict the effect of missense changes on protein structure and function are either unavailable or do not agree on the potential impact of this missense change (SIFT: "Deleterious"; PolyPhen-2: "Not Available"; Align-GVGD: "Class C0"). In summary, the available evidence is currently insufficient to determine the role of this variant in disease. Therefore, it has been classified as a Variant of Uncertain Significance.

Natera, Inc.
Classification: Uncertain significance for Nemaline myopathy type 2. Last evaluated: 2020-03-17. Review status: no assertion criteria provided. Collection method: clinical testing. Allele origin: germline. Not counted in ClinVar's aggregate classification.

NM_001164508.2(NEB):c.18439C>T (p.His6147Tyr)

Gene: NEB (nebulin; minus strand). Cytogenetic location: 2q23.3.
Variant type: single nucleotide variant.
Coding change: c.18439C>T on transcript NM_001164508.2 (MANE Select); coding-DNA position 18439, C replaced by T.
Protein change: p.His6147Tyr; replaces histidine 6147 with tyrosine.
Molecular consequence: missense variant.
Genome position (GRCh38, 1-based): chr2:151,565,076, G>A on the plus strand (C>T on the coding strand, the complement: NEB is on the minus strand). VCF-style: chr2-151565076-G-A. GRCh37 (hg19) VCF-style: chr2-152421590-G-A.
Other names: c.18439C>T, p.His6147Tyr (NM_001164507.2, NM_001271208.2); c.13336C>T, p.His4446Tyr (NM_004543.5); short protein forms H4446Y, H6147Y.
Identifiers: ClinVar variation 643135 (VCV000643135.10), dbSNP rs1577779523, ClinGen allele CA348800638.
Genomic context (GRCh38, chr2:151,565,076, plus strand): 5'-AGTGGTTATTACATAAAAGAGAACTTACAGTACTGTAGAGTTTTCCCATGTCTTTGGAGT[G>A]GGAGATATGTGGTGTATCTGGTGAAAACGTATATTTGCCCTTTGCTTTATTAAATGTTTC-3'
Protein context (NP_001157980.2, residues 6137-6157): TFSPDTPHIS[His6147Tyr]SKDMGKLYST